The following is an entry in ClinVar:

NM_003719.5(PDE8B):c.2622A>G (p.Leu874=)

Gene: PDE8B (phosphodiesterase 8B; plus strand). Cytogenetic location: 5q13.3.
Variant type: single nucleotide variant.
Coding change: c.2622A>G on transcript NM_003719.5 (MANE Select); coding-DNA position 2622, A replaced by G.
Protein change: p.Leu874=; no amino-acid change (leucine 874 retained).
Molecular consequence: synonymous variant. On other transcripts: 3 prime UTR variant (2).
Genome position (GRCh38, 1-based): chr5:77,426,518, A>G. VCF-style: chr5-77426518-A-G. GRCh37 (hg19) VCF-style: chr5-76722343-A-G.
Other names: c.2331A>G, p.Leu777= (NM_001029851.4); c.2457A>G, p.Leu819= (NM_001029852.4); c.2562A>G, p.Leu854= (NM_001029853.4); c.2481A>G, p.Leu827= (NM_001029854.4); c.2619A>G, p.Leu873= (NM_001349748.3); c.2685A>G, p.Leu895= (NM_001349749.3); c.2382A>G, p.Leu794= (NM_001349750.3); c.*50A>G (NM_001349751.3, NM_001376072.1); and 13 more.
Identifiers: ClinVar variation 354175 (VCV000354175.16), dbSNP rs61735409, ClinGen allele CA3315563.

ClinVar aggregate classification (germline): Benign/Likely benign. Review status: criteria provided, multiple submitters, no conflicts (2 of 4 stars). 4 submissions from 4 submitters: Benign (1); Likely benign (3). Last evaluated 2025-11-23.

Conditions:
Autosomal dominant striatal neurodegeneration type 1. Identifiers: Orphanet 228169, MedGen C4310808, MONDO:0012205, OMIM 609161.

Allele frequency attached by ClinVar (database versions not stated): 1000 Genomes Project 30x 0.00031; 1000 Genomes Project 0.00040; ESP Exome Variant Server 0.00062; ExAC 0.00066; gnomAD 0.00077 and 0.00081; TOPMed 0.00107.
gnomAD v4.1: 1,003 of 1,613,166 alleles (0.062%); highest among the groups gnomAD compares: Middle Eastern, 0.31%; no homozygotes.

Submissions (4):

Labcorp Genetics (formerly Invitae), Labcorp
Classification: Likely benign. Last evaluated: 2025-11-23. Review status: criteria provided, single submitter. Criteria: Invitae Variant Classification Sherloc (09022015). Collection method: clinical testing. Allele origin: germline.

Blueprint Genetics
Classification: Likely benign. Last evaluated: 2024-11-11. Review status: criteria provided, single submitter. Criteria: ACMG Guidelines, 2015. Collection method: clinical testing. Allele origin: germline.

Illumina Laboratory Services, Illumina
Classification: Benign for Autosomal dominant striatal neurodegeneration type 1. Last evaluated: 2018-01-13. Review status: criteria provided, single submitter. Criteria: ICSL Variant Classification Criteria 13 December 2019. Collection method: clinical testing. Allele origin: germline.
Comment: This variant was observed in the ICSL laboratory as part of a predisposition screen in an ostensibly healthy population. It had not been previously curated by ICSL or reported in the Human Gene Mutation Database (HGMD: prior to June 1st, 2018), and was therefore a candidate for classification through an automated scoring system. Utilizing variant allele frequency, disease prevalence and penetrance estimates, and inheritance mode, an automated score was calculated to assess if this variant is too frequent to cause the disease. Based on the score and internal cut-off values, a variant classified as benign is not then subjected to further curation. The score for this variant resulted in a classification of benign for this disease.

Breakthrough Genomics
Classification: Likely benign. Review status: criteria provided, single submitter. Criteria: ACMG Guidelines, 2015. Collection method: not provided. Allele origin: germline. Inheritance: Autosomal dominant inheritance. Affected: yes.